The following is an entry in ClinVar:

ClinVar aggregate classification (germline): Likely benign (1 of 4 stars; one submission).

Allele frequency attached by ClinVar (database versions not stated): gnomAD exomes 0.00089; gnomAD 0.00701 and 0.00748; 1000 Genomes Project 0.00739; 1000 Genomes Project 30x 0.00828; TOPMed 0.00833.
gnomAD v4.1: 1,501 of 624,910 alleles (0.24%); highest among the groups gnomAD compares: African/African-American, 2.4%; 17 homozygotes.

Submission:

GeneDx
Classification: Likely benign. Last evaluated: 2018-06-14. Review status: criteria provided, single submitter. Criteria: GeneDx Variant Classification (06012015). Collection method: clinical testing. Allele origin: germline. Affected: yes.
Comment: This variant is considered likely benign or benign based on one or more of the following criteria: it is a conservative change, it occurs at a poorly conserved position in the protein, it is predicted to be benign by multiple in silico algorithms, and/or has population frequency not consistent with disease.

NM_000548.5(TSC2):c.1444-232C>T

Gene: TSC2 (TSC complex subunit 2; plus strand). Cytogenetic location: 16p13.3.
Variant type: single nucleotide variant.
Coding change: c.1444-232C>T on transcript NM_000548.5 (MANE Select); 232 bases into the intron before coding-DNA position 1444, C replaced by T.
Molecular consequence: intron variant.
Genome position (GRCh38, 1-based): chr16:2,064,040, C>T. VCF-style: chr16-2064040-C-T. GRCh37 (hg19) VCF-style: chr16-2114041-C-T.
Other names: c.1444-232C>T (NM_001114382.3, NM_021055.3, NM_001370405.1 and 3 more transcripts); c.1333-232C>T (NM_001318827.2); c.844-232C>T (NM_001318831.2); c.1297-232C>T (NM_001318829.2); c.1477-232C>T (NM_001318832.2).
Identifiers: ClinVar variation 676866 (VCV000676866.1), dbSNP rs4335770, ClinGen allele CA276778555.
Genomic context (GRCh38, chr16:2,064,040, plus strand): 5'-AAGGGCAGGGCCTCACCTCGGCTGCTCCTTGTGAGTTGTGGGCCCCGTGTCTGTGCCCGG[C>T]CGCCCTGCGGTGCTCACCAGCCTTCTGAACGAGGAGCTGGACAGGATCCCTGGAAGGGGC-3'